The following is an entry in ClinVar:

ClinVar aggregate classification (germline): Conflicting classifications of pathogenicity. Review status: criteria provided, conflicting classifications (1 of 4 stars). 3 submissions from 2 submitters: Pathogenic (2); Uncertain significance (1). Last evaluated 2024-03-05.

Conditions:
Catecholaminergic polymorphic ventricular tachycardia 1. Also called: RYR2-Related Catecholaminergic Polymorphic Ventricular Tachycardia; VENTRICULAR TACHYCARDIA, STRESS-INDUCED POLYMORPHIC 1; VENTRICULAR TACHYCARDIA, CATECHOLAMINERGIC POLYMORPHIC, 1, WITH OR WITHOUT ATRIAL DYSFUNCTION AND/OR DILATED CARDIOMYOPATHY. Identifiers: Orphanet 3286, MedGen C1631597, MONDO:0011484, OMIM 604772.
Arrhythmogenic right ventricular dysplasia 2. Identifiers: MedGen C1832931.

gnomAD v4.1: 1 of 1,610,904 alleles (0.000062%); highest among the groups gnomAD compares: Non-Finnish European, 0.000085%; no homozygotes.

Submissions (3):

GeneDx
Classification: Uncertain significance. Last evaluated: 2024-03-05. Review status: criteria provided, single submitter. Criteria: GeneDx Variant Classification Process June 2021. Collection method: clinical testing. Allele origin: germline. Affected: yes.
Comment: Identified in a patient with cardiomyopathy who also harbored a truncating variant in the LMNA gene (PMID: 29197877); Not observed at significant frequency in large population cohorts (gnomAD); Nonsense variant predicted to result in protein truncation or nonsense mediated decay in a gene or region of a gene for which loss of function is not a well-established mechanism of disease; This variant is associated with the following publications: (PMID: 28404607, 29197877)

Institute of Human Genetics, University of Leipzig Medical Center
Classification: Pathogenic for Catecholaminergic polymorphic ventricular tachycardia 1. Last evaluated: 2020-06-19. Review status: criteria provided, single submitter. Criteria: ACMG Guidelines, 2015. Collection method: clinical testing. Allele origin: unknown. Inheritance: Autosomal dominant inheritance. Affected: yes.

Institute of Human Genetics, University of Leipzig Medical Center
Classification: Pathogenic for Catecholaminergic polymorphic ventricular tachycardia 1. Last evaluated: 2019-01-01. Review status: criteria provided, single submitter. Criteria: ACMG Guidelines, 2015. Collection method: clinical testing. Allele origin: unknown. Affected: yes.

NM_001035.3(RYR2):c.6202C>T (p.Arg2068Ter)

Gene: RYR2 (ryanodine receptor 2; plus strand). Cytogenetic location: 1q43.
Variant type: single nucleotide variant.
Coding change: c.6202C>T on transcript NM_001035.3 (MANE Select); coding-DNA position 6202, C replaced by T.
Protein change: p.Arg2068Ter; replaces arginine 2068 with a stop codon.
Molecular consequence: nonsense.
Genome position (GRCh38, 1-based): chr1:237,627,842, C>T. VCF-style: chr1-237627842-C-T. GRCh37 (hg19) VCF-style: chr1-237791142-C-T.
Other names: short protein forms R2068*.
Identifiers: ClinVar variation 983147 (VCV000983147.4), dbSNP rs1679845277, ClinGen allele CA345410438.